The following is an entry in ClinVar:

ClinVar aggregate classification (germline): Uncertain significance. Review status: criteria provided, single submitter (1 of 4 stars). 2 submissions from 2 submitters: Uncertain significance (1). 1 of the submissions does not count toward it. Last evaluated 2024-11-28.

Conditions:
Retinal dystrophy. Also called: Inherited retinal dystrophy. Identifiers: Orphanet 71862, MedGen C0854723, MeSH D058499, MONDO:0019118, HP:0000556.

Allele frequency attached by ClinVar (database versions not stated): TOPMed 0.00001; gnomAD exomes 0.00003 and 0.00004; ExAC 0.00004.

Submissions (2):

Labcorp Genetics (formerly Invitae), Labcorp
Classification: Uncertain significance. Last evaluated: 2024-11-28. Review status: criteria provided, single submitter. Criteria: Invitae Variant Classification Sherloc (09022015). Collection method: clinical testing. Allele origin: germline.
Comment: This sequence change replaces arginine, which is basic and polar, with cysteine, which is neutral and slightly polar, at codon 520 of the ADGRA3 protein (p.Arg520Cys). This variant is present in population databases (rs748176960, gnomAD 0.01%). This variant has not been reported in the literature in individuals affected with ADGRA3-related conditions. ClinVar contains an entry for this variant (Variation ID: 1051255). An algorithm developed to predict the effect of missense changes on protein structure and function outputs the following: PolyPhen-2: "Possibly Damaging". The cysteine amino acid residue is found in multiple mammalian species, which suggests that this missense change does not adversely affect protein function. In summary, the available evidence is currently insufficient to determine the role of this variant in disease. Therefore, it has been classified as a Variant of Uncertain Significance.

Institute of Human Genetics, Univ. Regensburg, Univ. Regensburg
Classification: Uncertain significance for Retinal dystrophy. Last evaluated: 2022-01-01. Review status: no assertion criteria provided. Criteria: ACMG Guidelines, 2015. Collection method: clinical testing. Allele origin: germline. Affected: yes. Not counted in ClinVar's aggregate classification.

NM_145290.4(ADGRA3):c.1558C>T (p.Arg520Cys)

Gene: ADGRA3 (adhesion G protein-coupled receptor A3; minus strand). Cytogenetic location: 4p15.2.
Variant type: single nucleotide variant.
Coding change: c.1558C>T on transcript NM_145290.4 (MANE Select); coding-DNA position 1558, C replaced by T.
Protein change: p.Arg520Cys; replaces arginine 520 with cysteine.
Molecular consequence: missense variant.
Genome position (GRCh38, 1-based): chr4:22,424,238, G>A on the plus strand (C>T on the coding strand, the complement: ADGRA3 is on the minus strand). VCF-style: chr4-22424238-G-A. GRCh37 (hg19) VCF-style: chr4-22425861-G-A.
Other names: short protein forms R520C.
Identifiers: ClinVar variation 1051255 (VCV001051255.10), dbSNP rs748176960, ClinGen allele CA2873922.